The following is an entry in ClinVar:

ClinVar aggregate classification (germline): Uncertain significance (1 of 4 stars; one submission).

Submission:

GeneDx
Classification: Uncertain significance. Last evaluated: 2022-05-04. Review status: criteria provided, single submitter. Criteria: GeneDx Variant Classification Process June 2021. Collection method: clinical testing. Allele origin: germline. Affected: yes.
Comment: Not observed at significant frequency in large population cohorts (gnomAD); In silico analysis supports that this missense variant does not alter protein structure/function; Has not been previously published as pathogenic or benign to our knowledge

NM_000368.5(TSC1):c.517G>A (p.Ala173Thr)

Gene: TSC1 (TSC complex subunit 1; minus strand). Cytogenetic location: 9q34.13.
Variant type: single nucleotide variant.
Coding change: c.517G>A on transcript NM_000368.5 (MANE Select); coding-DNA position 517, G replaced by A.
Protein change: p.Ala173Thr; replaces alanine 173 with threonine.
Molecular consequence: missense variant.
Genome position (GRCh38, 1-based): chr9:132,921,965, C>T on the plus strand (G>A on the coding strand, the complement: TSC1 is on the minus strand). VCF-style: chr9-132921965-C-T. GRCh37 (hg19) VCF-style: chr9-135797352-C-T.
Other names: c.517G>A, p.Ala173Thr (NM_001162426.2, NM_001406592.1, NM_001406593.1 and 16 more transcripts); c.364G>A, p.Ala122Thr (NM_001162427.2, NM_001406610.1, NM_001406611.1 and 2 more transcripts); c.154G>A, p.Ala52Thr (NM_001362177.2, NM_001406614.1, NM_001406615.1 and 10 more transcripts); c.-361G>A (NM_001406626.1, NM_001406627.1, NM_001406628.1); c.-503G>A (NM_001406629.1); c.-577G>A (NM_001406630.1); short protein forms A122T, A173T, A52T.
Identifiers: ClinVar variation 1722862 (VCV001722862.2), dbSNP rs2132162041, ClinGen allele CA375372926.